The following is an entry in ClinVar:

ClinVar aggregate classification (germline): Uncertain significance (1 of 4 stars; one submission).

Conditions:
Combined immunodeficiency due to LRBA deficiency. Also called: Common variable immunodeficiency 8, with autoimmunity. Identifiers: Orphanet 445018, MedGen C3553512, MONDO:0013863, OMIM 614700.

Allele frequency attached by ClinVar (database versions not stated): TOPMed below 0.00001; gnomAD 0.00001.
gnomAD v4.1: 1 of 1,575,202 alleles (0.000063%); no homozygotes.

Submission:

Labcorp Genetics (formerly Invitae), Labcorp
Classification: Uncertain significance for Combined immunodeficiency due to LRBA deficiency. Last evaluated: 2023-03-01. Review status: criteria provided, single submitter. Criteria: Invitae Variant Classification Sherloc (09022015). Collection method: clinical testing. Allele origin: germline.
Comment: This variant has not been reported in the literature in individuals affected with LRBA-related conditions. In summary, the available evidence is currently insufficient to determine the role of this variant in disease. Therefore, it has been classified as a Variant of Uncertain Significance. Variants that disrupt the consensus splice site are a relatively common cause of aberrant splicing (PMID: 17576681, 9536098). Algorithms developed to predict the effect of sequence changes on RNA splicing suggest that this variant is not likely to affect RNA splicing. This variant is not present in population databases (gnomAD no frequency). This sequence change falls in intron 43 of the LRBA gene. It does not directly change the encoded amino acid sequence of the LRBA protein. It affects a nucleotide within the consensus splice site.

Literature cited by the submitters: PubMed 17576681; PubMed 9536098.

NM_001364905.1(LRBA):c.6551+3A>G

Gene: LRBA (LPS responsive beige-like anchor protein; minus strand). Cytogenetic location: 4q31.3.
Variant type: single nucleotide variant.
Coding change: c.6551+3A>G on transcript NM_001364905.1 (MANE Select); 3 bases into the intron after coding-DNA position 6551, A replaced by G.
Molecular consequence: intron variant.
Genome position (GRCh38, 1-based): chr4:150,487,729, T>C on the plus strand (A>G on the coding strand, the complement: LRBA is on the minus strand). VCF-style: chr4-150487729-T-C. GRCh37 (hg19) VCF-style: chr4-151408881-T-C.
Other names: c.6551+3A>G (NM_001367550.1, NM_001199282.3, NM_001440431.1); c.6584+3A>G (NM_006726.5, NM_001440430.1); c.254+3A>G (NM_001440432.1); c.248+3A>G (NM_001440433.1).
Identifiers: ClinVar variation 2841946 (VCV002841946.3), dbSNP rs1450761921, ClinGen allele CA789027478.